The following is an entry in ClinVar:

ClinVar aggregate classification (germline): Uncertain significance. Review status: criteria provided, multiple submitters, no conflicts (2 of 4 stars). 2 submissions from 2 submitters: Uncertain significance (2). Last evaluated 2024-04-14.

Allele frequency attached by ClinVar (database versions not stated): gnomAD exomes below 0.00001.
gnomAD v4.1: 1 of 1,608,476 alleles (0.000062%); highest among the groups gnomAD compares: Non-Finnish European, 0.000085%; no homozygotes.

Submissions (2):

Women's Health and Genetics/Laboratory Corporation of America, LabCorp
Classification: Uncertain significance. Last evaluated: 2024-04-14. Review status: criteria provided, single submitter. Criteria: LabCorp Variant Classification Summary - May 2015. Collection method: clinical testing. Allele origin: germline.

CeGaT Center for Human Genetics Tuebingen
Classification: Uncertain significance. Last evaluated: 2023-02-01. Review status: criteria provided, single submitter. Criteria: CeGaT Center For Human Genetics Tuebingen Variant Classification Criteria Version 2. Collection method: clinical testing. Allele origin: germline. Affected: yes. Observed: 1 variant allele.
Comment: TNXB: PM2, BP4

NM_001365276.2(TNXB):c.8467+3G>A

Gene: TNXB (tenascin XB; minus strand). Cytogenetic location: 6p21.33.
Variant type: single nucleotide variant.
Coding change: c.8467+3G>A on transcript NM_001365276.2 (MANE Select); 3 bases into the intron after coding-DNA position 8467, G replaced by A.
Molecular consequence: intron variant.
Genome position (GRCh38, 1-based): chr6:32,055,848, C>T on the plus strand (G>A on the coding strand, the complement: TNXB is on the minus strand). VCF-style: chr6-32055848-C-T. GRCh37 (hg19) VCF-style: chr6-32023625-C-T.
Other names: c.8467+3G>A (NM_019105.8).
Identifiers: ClinVar variation 2499003 (VCV002499003.28), dbSNP rs1366925104, ClinGen allele CA2580074313.
Genomic context (GRCh38, chr6:32,055,848, plus strand): 5'-TTCATGAAGTTGCAGAGAAAGCAACATCTTCTAGGGCCATCTTCCTCACTCACAAACACT[C>T]ACCTGTCACACCCACGGTGGACACCGGGCCCACACGCCGCCCCTCGTGGAGGCCGTACAG-3'